The following is an entry in ClinVar:

ClinVar aggregate classification (germline): Likely pathogenic (1 of 4 stars; one submission).

Conditions:
Inborn genetic diseases. Identifiers: MedGen C0950123, MeSH D030342.

Submission:

Ambry Genetics
Classification: Likely pathogenic for Inborn genetic diseases. Last evaluated: 2017-01-26. Review status: criteria provided, single submitter. Criteria: Ambry Variant Classification Scheme 2023. Collection method: clinical testing. Allele origin: germline.
Comment: The p.S294F variant (also known as c.881C>T), located in coding exon 7 of the SLC2A1 gene, results from a C to T substitution at nucleotide position 881. The serine at codon 294 is replaced by phenylalanine, an amino acid with highly dissimilar properties. Two different alterations located at the same position, p.S294P and p.S294V, have been identified in individuals with GLUT1-deficiency syndrome (Anheim M et al. J. Neurol., 2011 Feb;258:316-7; Anand G et al. Dev Med Child Neurol, 2011 Jul;53:664-8). This variant is located in TM7 of the GLUT1 transporter and is indicated to be structurally deleterious (Ambry internal data; Deng D et al. Nature, 2014 Jun;510:121-5; Kapoor K et al. Proc. Natl. Acad. Sci. U.S.A., 2016 Apr;113:4711-6). This amino acid position is highly conserved in available vertebrate species. In addition, this alteration is predicted to be deleterious by in silico analysis. Based on the majority of available evidence to date, this variant is likely to be pathogenic.

Literature cited by the submitters: PubMed 20830593; PubMed 21649651; PubMed 24847886; PubMed 27078104.

NM_006516.4(SLC2A1):c.881C>T (p.Ser294Phe)

Gene: SLC2A1 (solute carrier family 2 member 1; minus strand). Cytogenetic location: 1p34.2.
Variant type: single nucleotide variant.
Coding change: c.881C>T on transcript NM_006516.4 (MANE Select); coding-DNA position 881, C replaced by T.
Protein change: p.Ser294Phe; replaces serine 294 with phenylalanine.
Molecular consequence: missense variant.
Genome position (GRCh38, 1-based): chr1:42,929,301, G>A on the plus strand (C>T on the coding strand, the complement: SLC2A1 is on the minus strand). VCF-style: chr1-42929301-G-A. GRCh37 (hg19) VCF-style: chr1-43394972-G-A.
Other names: short protein forms S294F.
Identifiers: ClinVar variation 590033 (VCV000590033.5), dbSNP rs1557645723, ClinGen allele CA339956925.